The following is an entry in ClinVar:

ClinVar aggregate classification (germline): Uncertain significance (1 of 4 stars; one submission).

Submission:

Ambry Genetics
Classification: Uncertain significance. Last evaluated: 2026-03-17. Review status: criteria provided, single submitter. Criteria: Ambry Variant Classification Scheme 2023. Collection method: clinical testing. Allele origin: germline.
Comment: The p.S60T variant (also known as c.179G>C), located in coding exon 2 of the SRP72 gene, results from a G to C substitution at nucleotide position 179. The serine at codon 60 is replaced by threonine, an amino acid with similar properties. This amino acid position is conserved. In addition, this alteration is predicted to be tolerated by in silico analysis. Based on the available evidence, the clinical significance of this variant remains unclear.

NM_006947.4(SRP72):c.179G>C (p.Ser60Thr)

Gene: SRP72 (signal recognition particle 72; plus strand). Cytogenetic location: 4q12.
Variant type: single nucleotide variant.
Coding change: c.179G>C on transcript NM_006947.4 (MANE Select); coding-DNA position 179, G replaced by C.
Protein change: p.Ser60Thr; replaces serine 60 with threonine.
Molecular consequence: missense variant. On other transcripts: non-coding transcript variant (1).
Genome position (GRCh38, 1-based): chr4:56,469,722, G>C. VCF-style: chr4-56469722-G-C. GRCh37 (hg19) VCF-style: chr4-57335888-G-C.
Other names: c.179G>C, p.Ser60Thr (NM_001267722.2); short protein forms S60T.
Identifiers: ClinVar variation 4865113 (VCV004865113.1).